The following is an entry in ClinVar:

NM_003193.5(TBCE):c.636_639del (p.Asn212fs)

Gene: TBCE (tubulin folding cofactor E; plus strand). Cytogenetic location: 1q42.3.
Variant type: Microsatellite.
Coding change: c.636_639del on transcript NM_003193.5 (MANE Select); coding-DNA positions 636 to 639, 4 bases deleted (TCAA; older notation c.636_639delTCAA).
Protein change: p.Asn212fs; shifts the reading frame from asparagine 212.
Molecular consequence: frameshift variant.
Genome position (GRCh38, 1-based): chr1:235,430,780-235,430,783, TCAA deleted; deleting any 4 consecutive bases within chr1:235,430,776-235,430,783 gives the same sequence; the c. name uses the placement nearest the transcript's 3' end. VCF-style (leftmost placement, unchanged base first): chr1-235430775-CTCAA-C. GRCh37 (hg19) VCF-style: chr1-235594090-CTCAA-C.
Other names: c.632_635del (NM_003193.5); c.636_639del, p.Asn212fs (NM_001079515.3, NM_001287801.2); c.297_300del, p.Asn99fs (NM_001287802.2); short protein forms N212fs, N99fs.
Identifiers: ClinVar variation 1690712 (VCV001690712.5), dbSNP rs1226347591, ClinGen allele CA733125815.
Genomic context (GRCh38, chr1:235,430,775, plus strand): 5'-CTAAAATTTCCCTCCGGTTCAGTATTAACTGGAACGCTTTCTGTACTGAAGGTTTTAGTC[CTCAA>C]TCAAACAGGAATAACGTGGGCTGAGGTAATCATATTTCTTTGTTTTATTACACATTAATA-3'

ClinVar aggregate classification (germline): Pathogenic/Likely pathogenic. Review status: criteria provided, multiple submitters, no conflicts (2 of 4 stars). 2 submissions from 2 submitters: Pathogenic (1); Likely pathogenic (1). Last evaluated 2023-10-15.

Submissions (2):

Labcorp Genetics (formerly Invitae), Labcorp
Classification: Pathogenic. Last evaluated: 2023-10-15. Review status: criteria provided, single submitter. Criteria: Invitae Variant Classification Sherloc (09022015). Collection method: clinical testing. Allele origin: germline.
Comment: This sequence change creates a premature translational stop signal (p.Asn212Lysfs*4) in the TBCE gene. It is expected to result in an absent or disrupted protein product. Loss-of-function variants in TBCE are known to be pathogenic (PMID: 27666369, 34134906, 34356170). This variant is not present in population databases (gnomAD no frequency). This variant has not been reported in the literature in individuals affected with TBCE-related conditions. For these reasons, this variant has been classified as Pathogenic.

Laboratorio de Genetica e Diagnostico Molecular, Hospital Israelita Albert Einstein
Classification: Likely pathogenic. Last evaluated: 2019-10-21. Review status: criteria provided, single submitter. Criteria: ACMG Guidelines, 2015. Collection method: clinical testing. Allele origin: germline. Affected: yes.
Comment: ACMG classification criteria: PVS1, PM2

Literature cited by the submitters: PubMed 27666369 (cited by Labcorp Genetics (formerly Invitae), Labcorp); PubMed 34134906 (cited by Labcorp Genetics (formerly Invitae), Labcorp); PubMed 34356170 (cited by Labcorp Genetics (formerly Invitae), Labcorp).